The following is an entry in ClinVar:

NM_002734.5(PRKAR1A):c.465G>C (p.Ser155=)

Gene: PRKAR1A (protein kinase cAMP-dependent type I regulatory subunit alpha; plus strand). Cytogenetic location: 17q24.2.
Variant type: single nucleotide variant.
Coding change: c.465G>C on transcript NM_002734.5 (MANE Select); coding-DNA position 465, G replaced by C.
Protein change: p.Ser155=; no amino-acid change (serine 155 retained).
Molecular consequence: synonymous variant.
Genome position (GRCh38, 1-based): chr17:68,524,040, G>C. VCF-style: chr17-68524040-G-C. GRCh37 (hg19) VCF-style: chr17-66520181-G-C.
Other names: c.465G>C, p.Ser155= (NM_001276289.2, NM_001276290.1, NM_001278433.2 and 4 more transcripts).
Identifiers: ClinVar variation 1077684 (VCV001077684.12), dbSNP rs746705941, ClinGen allele CA293289822.

ClinVar aggregate classification (germline): Conflicting classifications of pathogenicity. Review status: criteria provided, conflicting classifications (1 of 4 stars). 3 submissions from 3 submitters: Uncertain significance (1); Likely benign (2). Last evaluated 2025-12-31.

Conditions:
Carney complex, type 1 (CNC1). Also called: CARNEY COMPLEX, TYPE I; CARNEY MYXOMA-ENDOCRINE COMPLEX. Identifiers: Orphanet 1359, MedGen C2607929, MONDO:0008057, OMIM 160980.
Hereditary cancer-predisposing syndrome. Also called: Tumor predisposition; Hereditary neoplastic syndrome; Neoplastic Syndromes, Hereditary; Hereditary Cancer Syndrome. Identifiers: Orphanet 140162, MedGen C0027672, MeSH D009386, MONDO:0015356.

Allele frequency attached by ClinVar (database versions not stated): TOPMed 0.00002; gnomAD 0.00003.
gnomAD v4.1: 8 of 1,613,886 alleles (0.0005%); highest among the groups gnomAD compares: African/African-American, 0.0067%; no homozygotes.

Submissions (3):

Labcorp Genetics (formerly Invitae), Labcorp
Classification: Likely benign for Carney complex, type 1. Last evaluated: 2025-12-31. Review status: criteria provided, single submitter. Criteria: Invitae Variant Classification Sherloc (09022015). Collection method: clinical testing. Allele origin: germline.

GeneDx
Classification: Uncertain significance. Last evaluated: 2025-01-06. Review status: criteria provided, single submitter. Criteria: GeneDx Variant Classification Process June 2021. Collection method: clinical testing. Allele origin: germline. Affected: yes.
Comment: Not observed at significant frequency in large population cohorts (gnomAD); Has not been previously published as pathogenic or benign to our knowledge; In silico analysis suggests this variant may impact gene splicing. In the absence of RNA/functional studies, the actual effect of this sequence change is unknown.

Ambry Genetics
Classification: Likely benign for Hereditary cancer-predisposing syndrome. Last evaluated: 2022-11-18. Review status: criteria provided, single submitter. Criteria: Ambry Variant Classification Scheme 2023. Collection method: clinical testing. Allele origin: germline.